The following is an entry in ClinVar:

ClinVar aggregate classification (germline): Uncertain significance (1 of 4 stars; one submission).

Submission:

GeneDx
Classification: Uncertain significance. Last evaluated: 2022-02-16. Review status: criteria provided, single submitter. Criteria: GeneDx Variant Classification Process June 2021. Collection method: clinical testing. Allele origin: germline. Affected: yes.
Comment: Not observed at significant frequency in large population cohorts (gnomAD); Missense variant in a gene in which most reported pathogenic variants are truncating/loss-of-function; Has not been previously published as pathogenic or benign to our knowledge

NM_001267550.2(TTN):c.34604C>A (p.Pro11535Gln)

Gene: TTN (titin; minus strand). Cytogenetic location: 2q31.2.
Variant type: single nucleotide variant.
Coding change: c.34604C>A on transcript NM_001267550.2 (MANE Select); coding-DNA position 34604, C replaced by A.
Protein change: p.Pro11535Gln; replaces proline 11535 with glutamine.
Molecular consequence: missense variant. On other transcripts: intron variant (3).
Genome position (GRCh38, 1-based): chr2:178,675,047, G>T on the plus strand (C>A on the coding strand, the complement: TTN is on the minus strand). VCF-style: chr2-178675047-G-T. GRCh37 (hg19) VCF-style: chr2-179539774-G-T.
Other names: c.33482C>A, p.Pro11161Gln (NM_001256850.1); c.30701C>A, p.Pro10234Gln (NM_133378.4); c.13283-32730C>A (NM_003319.4); c.13859-32730C>A (NM_133437.4); c.13658-32730C>A (NM_133432.3); short protein forms P10234Q, P11161Q, P11535Q.
Identifiers: ClinVar variation 1702700 (VCV001702700.2), dbSNP rs2154266815, ClinGen allele CA349524059.